The following is an entry in ClinVar:

ClinVar aggregate classification (germline): Pathogenic (1 of 4 stars; one submission).

Submission:

GeneDx
Classification: Pathogenic. Last evaluated: 2026-03-12. Review status: criteria provided, single submitter. Criteria: GeneDx Variant Classification Process June 2021. Collection method: clinical testing. Allele origin: germline.
Comment: Affects a glycine residue in a Gly-X-Y motif in the triple helical region of the COL4A1 gene, where the majority of pathogenic missense variants occur, and is predicted to disrupt normal protein folding and function (HGMD; PMID: 22522439, 23225343); Not observed at significant frequency in large population cohorts (gnomAD); In silico analysis supports that this missense variant has a deleterious effect on protein structure/function; This variant is associated with the following publications: (PMID: 24861536, 22522439, 23225343)

NM_001845.6(COL4A1):c.3245G>A (p.Gly1082Glu)

Gene: COL4A1 (collagen type IV alpha 1 chain; minus strand). Cytogenetic location: 13q34.
Variant type: single nucleotide variant.
Coding change: c.3245G>A on transcript NM_001845.6 (MANE Select); coding-DNA position 3245, G replaced by A.
Protein change: p.Gly1082Glu; replaces glycine 1082 with glutamic acid.
Molecular consequence: missense variant.
Genome position (GRCh38, 1-based): chr13:110,174,703, C>T on the plus strand (G>A on the coding strand, the complement: COL4A1 is on the minus strand). VCF-style: chr13-110174703-C-T. GRCh37 (hg19) VCF-style: chr13-110827050-C-T.
Other names: short protein forms G1082E.
Identifiers: ClinVar variation 4891340 (VCV004891340.1).